The following is an entry in ClinVar:

NM_033380.3(COL4A5):c.5043T>G (p.Ile1681Met)

Gene: COL4A5 (collagen type IV alpha 5 chain; plus strand). Cytogenetic location: Xq22.3.
Variant type: single nucleotide variant.
Coding change: c.5043T>G on transcript NM_033380.3 (MANE Select); coding-DNA position 5043, T replaced by G.
Protein change: p.Ile1681Met; replaces isoleucine 1681 with methionine.
Molecular consequence: missense variant.
Genome position (GRCh38, 1-based): chrX:108,696,345, T>G. VCF-style: chrX-108696345-T-G. GRCh37 (hg19) VCF-style: chrX-107939575-T-G.
Other names: c.5025T>G, p.Ile1675Met (NM_000495.5); short protein forms I1675M, I1681M.
Identifiers: ClinVar variation 3050542 (VCV003050542.2), dbSNP rs2524657447, ClinGen allele CA414133133.
Genomic context (GRCh38, chrX:108,696,345, plus strand): 5'-CTTATTTCCCAGTAAACCTCAGTCAGAAACGCTGAAAGCAGGAGACTTGAGGACACGAAT[T>G]AGCCGATGTCAAGTGTGCATGAAGAGGACATAACATTTTGAAGAATTCCTTTTGTGTTTT-3'
Protein context (NP_203699.1, residues 1671-1691): TLKAGDLRTR[Ile1681Met]SRCQVCMKRT

ClinVar aggregate classification (germline): Uncertain significance (0 of 4 stars; one submission).

Conditions:
COL4A5-related disorder. Also called: COL4A5-related condition.

Submission:

PreventionGenetics, part of Exact Sciences
Classification: Uncertain significance for COL4A5-related condition. Last evaluated: 2023-12-12. Review status: no assertion criteria provided. Collection method: clinical testing. Allele origin: germline.
Comment: The COL4A5 c.5025T>G variant is predicted to result in the amino acid substitution p.Ile1675Met. To our knowledge, this variant has not been reported in the literature or in a large population database, indicating this variant is rare. At this time, the clinical significance of this variant is uncertain due to the absence of conclusive functional and genetic evidence.